The following is an entry in ClinVar:

NM_015910.7(WDPCP):c.990A>G (p.Ser330=)

Gene: WDPCP (WD repeat containing planar cell polarity effector; minus strand). Cytogenetic location: 2p15.
Variant type: single nucleotide variant.
Coding change: c.990A>G on transcript NM_015910.7 (MANE Select); coding-DNA position 990, A replaced by G.
Protein change: p.Ser330=; no amino-acid change (serine 330 retained).
Molecular consequence: synonymous variant. On other transcripts: non-coding transcript variant (3).
Genome position (GRCh38, 1-based): chr2:63,404,493, T>C on the plus strand (A>G on the coding strand, the complement: WDPCP is on the minus strand). VCF-style: chr2-63404493-T-C. GRCh37 (hg19) VCF-style: chr2-63631628-T-C.
Other names: c.513A>G, p.Ser171= (NM_001042692.3); c.918A>G, p.Ser306= (NM_001354044.2); c.990A>G, p.Ser330= (NM_001354045.2).
Identifiers: ClinVar variation 700056 (VCV000700056.41), dbSNP rs371090606, ClinGen allele CA1682303.

ClinVar aggregate classification (germline): Conflicting classifications of pathogenicity. Review status: criteria provided, conflicting classifications (1 of 4 stars). 6 submissions from 6 submitters: Uncertain significance (2); Likely benign (3). 1 of the submissions does not count toward it. Last evaluated 2026-08-01.

Conditions:
WDPCP-related disorder. Also called: WDPCP-related condition.
Heart defect - tongue hamartoma - polysyndactyly syndrome. Also called: Congenital heart defects, hamartomas of tongue, and polysyndactyly. Identifiers: Orphanet 1338, MedGen C1857587, MONDO:0009008, OMIM 217085.
Bardet-Biedl syndrome 15 (BBS15). Identifiers: Orphanet 110, MedGen C3150127, MONDO:0014443, OMIM 615992.
Bardet-Biedl syndrome (BBS). Identifiers: Orphanet 110, MedGen C0752166, MONDO:0015229.

Allele frequency attached by ClinVar (database versions not stated): ExAC 0.00008; ESP Exome Variant Server 0.00008; gnomAD 0.00009; TOPMed 0.00009; gnomAD exomes 0.00010.
gnomAD v4.1: 144 of 1,613,980 alleles (0.0089%); highest among the groups gnomAD compares: Non-Finnish European, 0.011%; no homozygotes.

Submissions (6):

CeGaT Center for Human Genetics Tuebingen
Classification: Likely benign. Last evaluated: 2026-08-01. Review status: criteria provided, single submitter. Criteria: CeGaT Center For Human Genetics Tuebingen Variant Classification Criteria Version 2. Collection method: clinical testing. Allele origin: germline. Affected: yes. Observed: 4 variant alleles.
Comment: WDPCP: BP4, BP7

Labcorp Genetics (formerly Invitae), Labcorp
Classification: Likely benign for Bardet-Biedl syndrome. Last evaluated: 2025-12-20. Review status: criteria provided, single submitter. Criteria: Invitae Variant Classification Sherloc (09022015). Collection method: clinical testing. Allele origin: germline.

Blueprint Genetics
Classification: Likely benign. Last evaluated: 2024-11-15. Review status: criteria provided, single submitter. Criteria: ACMG Guidelines, 2015. Collection method: clinical testing. Allele origin: germline.

Fulgent Genetics
Classification: Uncertain significance for Heart defect - tongue hamartoma - polysyndactyly syndrome; Bardet-Biedl syndrome 15. Last evaluated: 2024-04-19. Review status: criteria provided, single submitter. Criteria: ACMG Guidelines, 2015. Collection method: clinical testing. Allele origin: germline.

Illumina Laboratory Services, Illumina
Classification: Uncertain significance for Bardet-Biedl syndrome 15. Last evaluated: 2018-01-12. Review status: criteria provided, single submitter. Criteria: ICSL Variant Classification Criteria 13 December 2019. Collection method: clinical testing. Allele origin: germline.

PreventionGenetics, part of Exact Sciences
Classification: Likely benign for WDPCP-related condition. Last evaluated: 2024-05-14. Review status: no assertion criteria provided. Collection method: clinical testing. Allele origin: germline. Not counted in ClinVar's aggregate classification.
Comment: This variant is classified as likely benign based on ACMG/AMP sequence variant interpretation guidelines (Richards et al. 2015 PMID: 25741868, with internal and published modifications).